The following is an entry in ClinVar:

NM_000540.3(RYR1):c.880G>A (p.Glu294Lys)

Gene: RYR1 (ryanodine receptor 1; plus strand). Cytogenetic location: 19q13.2.
Variant type: single nucleotide variant.
Coding change: c.880G>A on transcript NM_000540.3 (MANE Select); coding-DNA position 880, G replaced by A.
Protein change: p.Glu294Lys; replaces glutamic acid 294 with lysine.
Molecular consequence: missense variant.
Genome position (GRCh38, 1-based): chr19:38,448,434, G>A. VCF-style: chr19-38448434-G-A. GRCh37 (hg19) VCF-style: chr19-38939074-G-A.
Other names: c.880G>A, p.Glu294Lys (NM_001042723.2); short protein forms E294K.
Identifiers: ClinVar variation 590621 (VCV000590621.18), dbSNP rs779597449, ClinGen allele CA072725.

ClinVar aggregate classification (germline): Uncertain significance. Review status: criteria provided, multiple submitters, no conflicts (2 of 4 stars). 8 submissions from 7 submitters: Uncertain significance (8). Last evaluated 2025-08-19.

Conditions:
RYR1-related disorder. Also called: RYR1-related disorders; RYR1-related condition. Identifiers: MedGen CN239331.
Congenital multicore myopathy with external ophthalmoplegia (CMYO1B). Also called: MULTIMINICORE DISEASE WITH EXTERNAL OPHTHALMOPLEGIA; Congenital myopathy 1B, autosomal recessive; Minicore myopathy; Minicore myopathy with external ophthalmoplegia; MULTICORE MYOPATHY. Identifiers: Orphanet 598, Orphanet 98905, MedGen C1850674, MONDO:0009712, OMIM 255320, HP:0003789.
Malignant hyperthermia, susceptibility to, 1 (MHS1). Also called: Anesthesia related hyperthermia; Malignant hyperpyrexia; Fulminating hyperpyrexia; Pharmacogenic myopathy; RYR1-Related Malignant Hyperthermia Susceptibility; Malignant hyperthermia suceptibility 1. Identifiers: Orphanet 423, MedGen C2930980, MONDO:0007783, OMIM 145600.

Allele frequency attached by ClinVar (database versions not stated): gnomAD 0.00001; TOPMed 0.00001; gnomAD exomes 0.00003 and 0.00004; ExAC 0.00004.
gnomAD v4.1: 59 of 1,613,594 alleles (0.0037%); highest among the groups gnomAD compares: African/African-American, 0.004%; no homozygotes.

Submissions (8):

Color Diagnostics, LLC DBA Color Health
Classification: Uncertain significance for Malignant hyperthermia, susceptibility to, 1. Last evaluated: 2025-08-19. Review status: criteria provided, single submitter. Criteria: ACMG Guidelines, 2015. Collection method: clinical testing. Allele origin: germline.
Comment: This missense variant replaces glutamic acid with lysine at codon 294 of the RYR1 protein. Computational prediction suggests that this variant may have deleterious impact on protein structure and function. To our knowledge, functional studies have not been reported for this variant. This variant has not been reported in individuals affected with autosomal dominant malignant hyperthermia in the literature, although it has been reported in an individual affected with distal myopathy with core-like features (PMID: 27005958) This variant has been identified in 8/251004 chromosomes in the general population by the Genome Aggregation Database (gnomAD). The available evidence is insufficient to determine the role of this variant in disease conclusively. Therefore, this variant is classified as a Variant of Uncertain Significance.

Labcorp Genetics (formerly Invitae), Labcorp
Classification: Uncertain significance for RYR1-related disorder. Last evaluated: 2025-06-24. Review status: criteria provided, single submitter. Criteria: Invitae Variant Classification Sherloc (09022015). Collection method: clinical testing. Allele origin: germline.
Comment: This sequence change replaces glutamic acid, which is acidic and polar, with lysine, which is basic and polar, at codon 294 of the RYR1 protein (p.Glu294Lys). This variant is present in population databases (rs779597449, gnomAD 0.006%). This missense change has been observed in individual(s) with clinical features of RYR1-related conditions (PMID: 27005958, 37937776). ClinVar contains an entry for this variant (Variation ID: 590621). Invitae Evidence Modeling of protein sequence and biophysical properties (such as structural, functional, and spatial information, amino acid conservation, physicochemical variation, residue mobility, and thermodynamic stability) has been performed for this missense variant. However, the output from this modeling did not meet the statistical confidence thresholds required to predict the impact of this variant on RYR1 protein function. In summary, the available evidence is currently insufficient to determine the role of this variant in disease. Therefore, it has been classified as a Variant of Uncertain Significance.

All of Us Research Program, National Institutes of Health
Classification: Uncertain significance for Malignant hyperthermia, susceptibility to, 1. Last evaluated: 2024-08-06. Review status: criteria provided, single submitter. Criteria: ACMG Guidelines, 2015. Collection method: clinical testing. Allele origin: germline. Inheritance: Autosomal dominant inheritance. Observed: 13 variant alleles, 13 heterozygotes.
Comment: This missense variant replaces glutamic acid with lysine at codon 294 of the RYR1 protein. Computational prediction suggests that this variant may have deleterious impact on protein structure and function (internally defined REVEL score threshold >= 0.7, PMID: 27666373). To our knowledge, functional studies have not been reported for this variant. This variant has not been reported in individuals affected with autosomal dominant malignant hyperthermia in the literature, although it has been reported in an individual affected with distal myopathy with core-like features (PMID: 27005958) This variant has been identified in 8/251004 chromosomes in the general population by the Genome Aggregation Database (gnomAD). The available evidence is insufficient to determine the role of this variant in disease conclusively. Therefore, this variant is classified as a Variant of Uncertain Significance.

This study involves interpretation of variants in research participants for the purpose of population health screening. Participant phenotype was not available at the time of variant classification. Additional details can be found in publication PMID: 35346344, PMCID: PMC8962531

Women's Health and Genetics/Laboratory Corporation of America, LabCorp
Classification: Uncertain significance. Last evaluated: 2024-05-30. Review status: criteria provided, single submitter. Criteria: LabCorp Variant Classification Summary - May 2015. Collection method: clinical testing. Allele origin: germline.
Comment: Variant summary: RYR1 c.880G>A (p.Glu294Lys) results in a conservative amino acid change located in the MIR motif (IPR016093) of the encoded protein sequence. Three of five in-silico tools predict a damaging effect of the variant on protein function. The variant allele was found at a frequency of 3.2e-05 in 251004 control chromosomes. The available data on variant occurrences in the general population are insufficient to allow any conclusion about variant significance. c.880G>A has been reported in the literature in an individual affected with clinical features of autosomal dominant Congenital myopathy 1A; however, the other two similarly affected family members are negative for this variant (Astrea_2016). Instead, a potential cauative variant, c.4303T>C (p.Ser1435Pro) in the MYH7 gene has been identified and has been shown to segregate with disease in all three affected family members (Astrea_2016). These report(s) do not provide unequivocal conclusions about association of the variant with Congenital myopathy 1A. To our knowledge, no experimental evidence demonstrating an impact on protein function has been reported. The following publications have been ascertained in the context of this evaluation (PMID: 27005958, 29792937). ClinVar contains an entry for this variant (Variation ID: 590621). Based on the evidence outlined above, the variant was classified as uncertain significance.

GeneDx
Classification: Uncertain significance. Last evaluated: 2022-07-07. Review status: criteria provided, single submitter. Criteria: GeneDx Variant Classification Process June 2021. Collection method: clinical testing. Allele origin: germline. Affected: yes.
Comment: Observed in heterozygous state in a family with distal myopathy in published literature, however additional testing identified a variant in the MYH7 gene that segregated with disease in the family (Astrea et al., 2016); Reported in an individual undergoing genetic testing for a myopathy or muscular dystrophy phenotype in published literature, although no specifics about this individual were described (Zenagui et al., 2018); In silico analysis supports that this missense variant has a deleterious effect on protein structure/function; Not observed at significant frequency in large population cohorts (gnomAD); This variant is associated with the following publications: (PMID: 27005958, 29792937)

Illumina Laboratory Services, Illumina
Classification: Uncertain significance for Malignant hyperthermia, susceptibility to, 1. Last evaluated: 2017-05-01. Review status: criteria provided, single submitter. Criteria: ICSL Variant Classification Criteria 13 December 2019. Collection method: clinical testing. Allele origin: germline.
Comment: This variant was observed as part of a predisposition screen in an ostensibly healthy population. A literature search was performed for the gene, cDNA change, and amino acid change (where applicable). Publications were found based on this search. However, the evidence from the literature, in combination with allele frequency data from public databases where available, was not sufficient to rule this variant in or out of causing disease. Therefore, this variant is classified as a variant of unknown significance.

Illumina Laboratory Services, Illumina
Classification: Uncertain significance for Congenital multicore myopathy with external ophthalmoplegia. Last evaluated: 2017-05-01. Review status: criteria provided, single submitter. Criteria: ICSL Variant Classification Criteria 13 December 2019. Collection method: clinical testing. Allele origin: germline.
Comment: the same text as in the submission from Illumina Laboratory Services, Illumina above.

PreventionGenetics, part of Exact Sciences
Classification: Uncertain significance. Last evaluated: 2016-03-11. Review status: criteria provided, single submitter. Criteria: ACMG Guidelines, 2015. Collection method: clinical testing. Allele origin: germline.

Literature cited by the submitters: PubMed 27005958 (cited by 5 submitters); PubMed 37937776 (cited by Labcorp Genetics (formerly Invitae), Labcorp); PubMed 29792937 (cited by Women's Health and Genetics/Laboratory Corporation of America, LabCorp).